The following is an entry in ClinVar:

ClinVar aggregate classification (germline): Benign. Review status: criteria provided, multiple submitters, no conflicts (2 of 4 stars). 12 submissions from 12 submitters: Benign (9). 3 of the submissions do not count toward it. Last evaluated 2026-02-04.

Conditions:
Bilateral frontoparietal polymicrogyria. Also called: CORTICAL DYSPLASIA, COMPLEX, WITH OTHER BRAIN MALFORMATIONS 14A (BILATERAL FRONTOPARIETAL); CEREBELLAR ATAXIA WITH NEURONAL MIGRATION DEFECT. Identifiers: Orphanet 101070, MedGen C1847352, MONDO:0011738, OMIM 606854.

Allele frequency attached by ClinVar (database versions not stated): ESP Exome Variant Server 0.18190; gnomAD 0.20927 and 0.21379; gnomAD exomes 0.21484 and 0.25595; TOPMed 0.22518; 1000 Genomes Project 30x 0.25453; 1000 Genomes Project 0.25919; ExAC 0.27840.
gnomAD v4.1: 346,357 of 1,611,276 alleles (21%); highest among the groups gnomAD compares: East Asian, 48%; 40,395 homozygotes.

Submissions (12):

Labcorp Genetics (formerly Invitae), Labcorp
Classification: Benign. Last evaluated: 2026-02-04. Review status: criteria provided, single submitter. Criteria: Invitae Variant Classification Sherloc (09022015). Collection method: clinical testing. Allele origin: germline.

Blueprint Genetics
Classification: Benign. Last evaluated: 2024-11-27. Review status: criteria provided, single submitter. Criteria: ACMG Guidelines, 2015. Collection method: clinical testing. Allele origin: germline.

Genome-Nilou Lab
Classification: Benign for Bilateral frontoparietal polymicrogyria. Last evaluated: 2021-07-10. Review status: criteria provided, single submitter. Criteria: ACMG Guidelines, 2015. Collection method: clinical testing. Allele origin: germline. Affected: no.

Mayo Clinic Laboratories, Mayo Clinic
Classification: Benign. Last evaluated: 2018-04-02. Review status: criteria provided, single submitter. Criteria: ACMG Guidelines, 2015. Collection method: clinical testing. Allele origin: germline. Observed: 214 variant alleles.

Illumina Laboratory Services, Illumina
Classification: Benign for Bilateral frontoparietal polymicrogyria. Last evaluated: 2018-01-13. Review status: criteria provided, single submitter. Criteria: ICSL Variant Classification Criteria 13 December 2019. Collection method: clinical testing. Allele origin: germline.
Comment: This variant was observed in the ICSL laboratory as part of a predisposition screen in an ostensibly healthy population. It had not been previously curated by ICSL or reported in the Human Gene Mutation Database (HGMD: prior to June 1st, 2018), and was therefore a candidate for classification through an automated scoring system. Utilizing variant allele frequency, disease prevalence and penetrance estimates, and inheritance mode, an automated score was calculated to assess if this variant is too frequent to cause the disease. Based on the score and internal cut-off values, a variant classified as benign is not then subjected to further curation. The score for this variant resulted in a classification of benign for this disease.

GeneDx
Classification: Benign. Last evaluated: 2015-03-03. Review status: criteria provided, single submitter. Criteria: GeneDx Variant Classification Process June 2021. Collection method: clinical testing. Allele origin: germline. Affected: yes.

Genetic Services Laboratory, University of Chicago
Classification: Benign. Last evaluated: 2013-02-08. Review status: criteria provided, single submitter. Criteria: ACMG Guidelines, 2007. Collection method: clinical testing. Allele origin: germline. Inheritance: Autosomal recessive inheritance.

Breakthrough Genomics
Classification: Benign. Review status: criteria provided, single submitter. Criteria: ACMG Guidelines, 2015. Collection method: not provided. Allele origin: germline. Inheritance: Autosomal recessive inheritance. Affected: yes.

PreventionGenetics, part of Exact Sciences
Classification: Benign. Review status: criteria provided, single submitter. Criteria: ACMG Guidelines, 2015. Collection method: clinical testing. Allele origin: germline.

Natera, Inc.
Classification: Benign for Bilateral frontoparietal polymicrogyria. Last evaluated: 2019-11-20. Review status: no assertion criteria provided. Collection method: clinical testing. Allele origin: germline. Not counted in ClinVar's aggregate classification.

Clinical Genetics DNA and cytogenetics Diagnostics Lab, Erasmus MC, Erasmus Medical Center
Classification: Benign. Review status: no assertion criteria provided. Collection method: clinical testing. Allele origin: germline. Affected: yes. Study: VKGL Data-share Consensus. Not counted in ClinVar's aggregate classification.

Diagnostic Laboratory, Department of Genetics, University Medical Center Groningen
Classification: Benign. Review status: no assertion criteria provided. Collection method: clinical testing. Allele origin: germline. Affected: yes. Study: VKGL Data-share Consensus. Not counted in ClinVar's aggregate classification.

NM_201525.4(ADGRG1):c.1665-5C>T

Gene: ADGRG1 (adhesion G protein-coupled receptor G1; plus strand). Cytogenetic location: 16q21.
Variant type: single nucleotide variant.
Coding change: c.1665-5C>T on transcript NM_201525.4 (MANE Select); 5 bases into the intron before coding-DNA position 1665, C replaced by T.
Molecular consequence: intron variant.
Genome position (GRCh38, 1-based): chr16:57,661,692, C>T. VCF-style: chr16-57661692-C-T. GRCh37 (hg19) VCF-style: chr16-57695604-C-T.
Other names: p.?; c.1665-5C>T (NM_001370440.1, NM_001370436.1, NM_001370438.1 and 7 more transcripts); c.1683-5C>T (NM_001370428.1, NM_001370430.1, NM_001370431.1 and 4 more transcripts); c.1173-5C>T (NM_001290142.2); c.1140-5C>T (NM_001370451.1, NM_001370453.1, NM_001370454.1 and 1 more transcripts); c.1158-5C>T (NM_001290143.2); c.1680-5C>T (NM_001370434.1, NM_001370433.1, NM_001145773.3); c.1509-5C>T (NM_001370442.1); and 1 more.
Identifiers: ClinVar variation 158624 (VCV000158624.33), dbSNP rs2290177, ClinGen allele CA172255.